The following is an entry in ClinVar:

ClinVar aggregate classification (germline): Uncertain significance (1 of 4 stars; one submission).

Conditions:
Hereditary cancer-predisposing syndrome. Also called: Neoplastic Syndromes, Hereditary; Tumor predisposition; Hereditary Cancer Syndrome; Hereditary neoplastic syndrome. Identifiers: Orphanet 140162, MedGen C0027672, MeSH D009386, MONDO:0015356.

gnomAD v4.1: 1 of 1,613,172 alleles (0.000062%); no homozygotes.

Submission:

Ambry Genetics
Classification: Uncertain significance for Hereditary cancer-predisposing syndrome. Last evaluated: 2021-10-18. Review status: criteria provided, single submitter. Criteria: Ambry Variant Classification Scheme 2023. Collection method: clinical testing. Allele origin: germline.
Comment: The p.W2C variant (also known as c.6G>C), located in coding exon 1 of the NBN gene, results from a G to C substitution at nucleotide position 6. The tryptophan at codon 2 is replaced by cysteine, an amino acid with highly dissimilar properties. This amino acid position is highly conserved in available vertebrate species. In addition, this alteration is predicted to be deleterious by in silico analysis. Since supporting evidence is limited at this time, the clinical significance of this alteration remains unclear.

NM_002485.5(NBN):c.6G>C (p.Trp2Cys)

Gene: NBN (nibrin; minus strand). Cytogenetic location: 8q21.3.
Variant type: single nucleotide variant.
Coding change: c.6G>C on transcript NM_002485.5 (MANE Select); coding-DNA position 6, G replaced by C.
Protein change: p.Trp2Cys; replaces tryptophan 2 with cysteine.
Molecular consequence: missense variant. On other transcripts: 5 prime UTR variant (1).
Genome position (GRCh38, 1-based): chr8:89,984,556, C>G on the plus strand (G>C on the coding strand, the complement: NBN is on the minus strand). VCF-style: chr8-89984556-C-G. GRCh37 (hg19) VCF-style: chr8-90996784-C-G.
Other names: c.-291G>C (NM_001024688.3); short protein forms W2C.
Identifiers: ClinVar variation 1756620 (VCV001756620.2), dbSNP rs876661130, ClinGen allele CA371664215.